The following is an entry in ClinVar:

NM_016628.5(WAC):c.1118C>T (p.Thr373Met)

Gene: WAC (WW domain containing adaptor with coiled-coil; plus strand). Cytogenetic location: 10p12.1.
Variant type: single nucleotide variant.
Coding change: c.1118C>T on transcript NM_016628.5 (MANE Select); coding-DNA position 1118, C replaced by T.
Protein change: p.Thr373Met; replaces threonine 373 with methionine.
Molecular consequence: missense variant.
Genome position (GRCh38, 1-based): chr10:28,608,384, C>T. VCF-style: chr10-28608384-C-T. GRCh37 (hg19) VCF-style: chr10-28897313-C-T.
Other names: c.983C>T, p.Thr328Met (NM_100264.3); c.809C>T, p.Thr270Met (NM_100486.4); short protein forms T270M, T328M, T373M.
Identifiers: ClinVar variation 1197040 (VCV001197040.4), dbSNP rs759243138, ClinGen allele CA204595257.
Genomic context (GRCh38, chr10:28,608,384, plus strand): 5'-TACCTCCCTTACTTCAGGACCCAAATCTTCTTAGACAATTGCTTCCTGCTTTGCAAGCCA[C>T]GCTGCAGCTTAATAATTCTAATGTGGACATATCTAAAATAAATGAAGGTAAATCTTCATA-3'
Protein context (NP_057712.2, residues 363-383): LRQLLPALQA[Thr373Met]LQLNNSNVDI

ClinVar aggregate classification (germline): Likely benign (1 of 4 stars; one submission).

Allele frequency attached by ClinVar (database versions not stated): TOPMed below 0.00001; gnomAD exomes 0.00001.
gnomAD v4.1: 9 of 1,612,888 alleles (0.00056%); highest among the groups gnomAD compares: Non-Finnish European, 0.00076%; no homozygotes.

Submission:

GeneDx
Classification: Likely benign. Last evaluated: 2021-12-20. Review status: criteria provided, single submitter. Criteria: GeneDx Variant Classification Process June 2021. Collection method: clinical testing. Allele origin: germline. Affected: yes.
Comment: Not observed in large population cohorts (Lek et al., 2016); In silico analysis supports that this missense variant does not alter protein structure/function; Has not been previously published as pathogenic or benign to our knowledge